The following is an entry in ClinVar:

NM_002691.4(POLD1):c.1564C>T (p.Leu522=)

Gene: POLD1 (DNA polymerase delta 1, catalytic subunit; plus strand). Cytogenetic location: 19q13.33.
Variant type: single nucleotide variant.
Coding change: c.1564C>T on transcript NM_002691.4 (MANE Select); coding-DNA position 1564, C replaced by T.
Protein change: p.Leu522=; no amino-acid change (leucine 522 retained).
Molecular consequence: synonymous variant. On other transcripts: non-coding transcript variant (1).
Genome position (GRCh38, 1-based): chr19:50,407,052, C>T. VCF-style: chr19-50407052-C-T. GRCh37 (hg19) VCF-style: chr19-50910309-C-T.
Other names: c.1564C>T, p.Leu522= (NM_001256849.1, NM_001308632.1).
Identifiers: ClinVar variation 761304 (VCV000761304.14), dbSNP rs1601219353, ClinGen allele CA508184002.
Genomic context (GRCh38, chr19:50,407,052, plus strand): 5'-GACCAGACCCGCCGCCGCCTGGCTGTGTACTGCCTGAAGGATGCCTACCTGCCACTGCGG[C>T]TGCTGGAGCGGCTCATGGTGCTGGTGAACGCCGTGGAGATGGCGAGGGTCACTGGCGTGC-3'
Protein context (NP_002682.2, residues 512-532): CLKDAYLPLR[Leu522=]LERLMVLVNA

ClinVar aggregate classification (germline): Benign/Likely benign. Review status: criteria provided, multiple submitters, no conflicts (2 of 4 stars). 3 submissions from 3 submitters: Benign (1); Likely benign (2). Last evaluated 2025-02-06.

Conditions:
Hereditary cancer-predisposing syndrome. Also called: Hereditary Cancer Syndrome; Hereditary neoplastic syndrome; Neoplastic Syndromes, Hereditary; Tumor predisposition. Identifiers: Orphanet 140162, MedGen C0027672, MeSH D009386, MONDO:0015356.
POLD1-related polyposis and colorectal cancer syndrome (CRCS10). Also called: Colorectal cancer, susceptibility to, 10; Colorectal cancer 10; COLORECTAL CANCER, SUSCEPTIBILITY TO, ON CHROMOSOME 19q. Identifiers: Orphanet 220460, MedGen C2675481, MONDO:0012953, OMIM 612591.

gnomAD v4.1: 1 of 1,613,854 alleles (0.000062%); highest among the groups gnomAD compares: Admixed American, 0.0017%; no homozygotes.

Submissions (3):

Myriad Genetics, Inc.
Classification: Benign for POLD1-related polyposis and colorectal cancer syndrome. Last evaluated: 2025-02-06. Review status: criteria provided, single submitter. Criteria: Myriad Autosomal Dominant, Autosomal Recessive and X-Linked Classification Criteria (2023). Collection method: clinical testing. Allele origin: unknown.
Comment: This variant is considered benign. This variant is a silent/synonymous amino acid change and it is not expected to impact splicing.

Labcorp Genetics (formerly Invitae), Labcorp
Classification: Likely benign for POLD1-related polyposis and colorectal cancer syndrome. Last evaluated: 2024-12-08. Review status: criteria provided, single submitter. Criteria: Invitae Variant Classification Sherloc (09022015). Collection method: clinical testing. Allele origin: germline.

Ambry Genetics
Classification: Likely benign for Hereditary cancer-predisposing syndrome. Last evaluated: 2019-02-11. Review status: criteria provided, single submitter. Criteria: Ambry Variant Classification Scheme 2023. Collection method: clinical testing. Allele origin: germline.